The following is an entry in ClinVar:

NM_004006.3(DMD):c.1321A>G (p.Lys441Glu)

Gene: DMD (dystrophin; minus strand). Cytogenetic location: Xp21.1.
Variant type: single nucleotide variant.
Coding change: c.1321A>G on transcript NM_004006.3 (MANE Select); coding-DNA position 1321, A replaced by G.
Protein change: p.Lys441Glu; replaces lysine 441 with glutamic acid.
Molecular consequence: missense variant.
Genome position (GRCh38, 1-based): chrX:32,644,142, T>C on the plus strand (A>G on the coding strand, the complement: DMD is on the minus strand). VCF-style: chrX-32644142-T-C. GRCh37 (hg19) VCF-style: chrX-32662259-T-C.
Other names: c.1297A>G, p.Lys433Glu (NM_000109.4); c.1309A>G, p.Lys437Glu (NM_004009.3); c.952A>G, p.Lys318Glu (NM_004010.3); short protein forms K433E, K318E, K437E, K441E.
Identifiers: ClinVar variation 4737683 (VCV004737683.1).

ClinVar aggregate classification (germline): Uncertain significance (1 of 4 stars; one submission).

Conditions:
Duchenne muscular dystrophy (DMD). Also called: MUSCULAR DYSTROPHY, PSEUDOHYPERTROPHIC PROGRESSIVE, DUCHENNE TYPE; Duchenne Muscular Dystrophy (DMD). Identifiers: Orphanet 98896, MedGen C0013264, MONDO:0010679, OMIM 310200.

gnomAD v4.1: 4 of 1,207,994 alleles (0.00033%); highest among the groups gnomAD compares: Non-Finnish European, 0.00045%; no homozygotes.

Submission:

Labcorp Genetics (formerly Invitae), Labcorp
Classification: Uncertain significance for Duchenne muscular dystrophy. Last evaluated: 2025-03-22. Review status: criteria provided, single submitter. Criteria: Invitae Variant Classification Sherloc (09022015). Collection method: clinical testing. Allele origin: germline.
Comment: This sequence change replaces lysine, which is basic and polar, with glutamic acid, which is acidic and polar, at codon 441 of the DMD protein (p.Lys441Glu). This variant is not present in population databases (gnomAD no frequency). This variant has not been reported in the literature in individuals affected with DMD-related conditions. Invitae Evidence Modeling of protein sequence and biophysical properties (such as structural, functional, and spatial information, amino acid conservation, physicochemical variation, residue mobility, and thermodynamic stability) indicates that this missense variant is not expected to disrupt DMD protein function with a negative predictive value of 95%. In summary, the available evidence is currently insufficient to determine the role of this variant in disease. Therefore, it has been classified as a Variant of Uncertain Significance.